The following is an entry in ClinVar:

NM_001164508.2(NEB):c.22769_22770del (p.His7590fs)

Genes: NEB (nebulin; minus strand), RIF1 (replication timing regulatory factor 1; plus strand). Cytogenetic location: 2q23.3.
Variant type: Deletion.
Coding change: c.22769_22770del on transcript NM_001164508.2 (MANE Select); coding-DNA positions 22769 to 22770, 2 bases deleted (AC; older notation c.22769_22770delAC).
Protein change: p.His7590fs; shifts the reading frame from histidine 7590.
Molecular consequence: frameshift variant.
Genome position (GRCh38, 1-based): chr2:151,518,348-151,518,349, GT deleted on the plus strand (AC on the coding strand, the reverse complement: NEB is on the minus strand); deleting any 2 consecutive bases within chr2:151,518,348-151,518,350 gives the same sequence; the c. name uses the placement nearest the transcript's 3' end. VCF-style (leftmost placement, unchanged base first): chr2-151518347-GGT-G. GRCh37 (hg19) VCF-style: chr2-152374861-GGT-G.
Other names: c.22769_22770del, p.His7590fs (NM_001164507.2); c.22874_22875del, p.His7625fs (NM_001271208.2); c.17666_17667del, p.His5889fs (NM_004543.5); short protein forms H5889fs, H7590fs, H7625fs.
Identifiers: ClinVar variation 5015078 (VCV005015078.1).

ClinVar aggregate classification (germline): Pathogenic (1 of 4 stars; one submission).

Conditions:
Nemaline myopathy 2 (NEM2). Also called: Nemaline myopathy 2, autosomal recessive. Identifiers: MedGen C1850569, MONDO:0009725, OMIM 256030.

Submission:

Myriad Genetics, Inc.
Classification: Pathogenic for Nemaline myopathy 2. Last evaluated: 2025-10-12. Review status: criteria provided, single submitter. Criteria: Myriad Autosomal Dominant, Autosomal Recessive and X-Linked Classification Criteria (2023). Collection method: clinical testing. Allele origin: unknown.
Comment: NM_001271208.1(NEB):c.22874_22875delAC(H7625Pfs*18) is expected to be pathogenic in the context of NEB-related nemaline myopathy. This variant is predicted to lead to an abnormal or absent protein product due to the creation of a premature termination codon in NEB, a gene where loss-of-function variants are known to be pathogenic. Please note: this variant was assessed in the context of healthy population screening.